The following is an entry in ClinVar:

NM_001111.5(ADAR):c.1935-19G>A

Gene: ADAR (adenosine deaminase RNA specific; minus strand). Cytogenetic location: 1q21.3.
Variant type: single nucleotide variant.
Coding change: c.1935-19G>A on transcript NM_001111.5 (MANE Select); 19 bases into the intron before coding-DNA position 1935, G replaced by A.
Molecular consequence: intron variant.
Genome position (GRCh38, 1-based): chr1:154,597,286, C>T on the plus strand (G>A on the coding strand, the complement: ADAR is on the minus strand). VCF-style: chr1-154597286-C-T. GRCh37 (hg19) VCF-style: chr1-154569762-C-T.
Other names: c.1050-19G>A (NM_001365046.1, NM_001025107.3, NM_001365048.1 and 3 more transcripts); c.1962-19G>A (NM_001365045.1); c.1935-19G>A (NM_015841.4, NM_015840.4).
Identifiers: ClinVar variation 1107865 (VCV001107865.12), dbSNP rs200651742, ClinGen allele CA1131410.

ClinVar aggregate classification (germline): Likely benign. Review status: criteria provided, multiple submitters, no conflicts (2 of 4 stars). 5 submissions from 5 submitters: Likely benign (5). Last evaluated 2026-06-09.

Conditions:
Symmetrical dyschromatosis of extremities (DSH). Also called: RETICULATE ACROPIGMENTATION OF DOHI; SYMMETRIC DYSCHROMATOSIS OF THE EXTREMITIES; DYSCHROMATOSIS SYMMETRICA HEREDITARIA 1; Dyschromatosis symmetrica hereditaria. Identifiers: Orphanet 41, MedGen C0406775, MONDO:0007483, OMIM 127400.
Aicardi-Goutieres syndrome 6 (AGS6). Identifiers: Orphanet 51, MedGen C3539013, MONDO:0014007, OMIM 615010.

Allele frequency attached by ClinVar (database versions not stated): 1000 Genomes Project 0.00020; 1000 Genomes Project 30x 0.00031; gnomAD exomes 0.00070 and 0.00136; ExAC 0.00077; TOPMed 0.00090; gnomAD 0.00099 and 0.00101; ESP Exome Variant Server 0.00108.
gnomAD v4.1: 2,144 of 1,614,046 alleles (0.13%); highest among the groups gnomAD compares: Non-Finnish European, 0.17%; 4 homozygotes.

Submissions (5):

Women's Health and Genetics/Laboratory Corporation of America, LabCorp
Classification: Likely benign. Last evaluated: 2026-06-09. Review status: criteria provided, single submitter. Criteria: LabCorp Variant Classification Summary - May 2015. Collection method: clinical testing. Allele origin: germline.
Comment: Variant summary: ADAR c.1935-19G>A alters a non-conserved nucleotide located at a position not widely known to affect splicing. The variant allele was found at a frequency of 0.0007 in 250842 control chromosomes. This frequency is not significantly higher than estimated for disease-causing variants in ADAR, allowing no conclusion about variant significance. To our knowledge, no occurrence of c.1935-19G>A in individuals affected with ADAR-related conditions and no experimental evidence demonstrating its impact on protein function have been reported. ClinVar contains an entry for this variant (Variation ID: 1107865). Based on the evidence outlined above, the variant was classified as likely benign.

Labcorp Genetics (formerly Invitae), Labcorp
Classification: Likely benign for Aicardi-Goutieres syndrome 6; Symmetrical dyschromatosis of extremities. Last evaluated: 2026-01-24. Review status: criteria provided, single submitter. Criteria: Invitae Variant Classification Sherloc (09022015). Collection method: clinical testing. Allele origin: germline.

Blueprint Genetics
Classification: Likely benign. Last evaluated: 2024-11-14. Review status: criteria provided, single submitter. Criteria: ACMG Guidelines, 2015. Collection method: clinical testing. Allele origin: germline.

Genome-Nilou Lab
Classification: Likely benign for Aicardi-Goutieres syndrome 6. Last evaluated: 2023-04-11. Review status: criteria provided, single submitter. Criteria: ACMG Guidelines, 2015. Collection method: clinical testing. Allele origin: germline. Affected: no.

Fulgent Genetics
Classification: Likely benign for Symmetrical dyschromatosis of extremities; Aicardi-Goutieres syndrome 6. Last evaluated: 2021-07-19. Review status: criteria provided, single submitter. Criteria: ACMG Guidelines, 2015. Collection method: clinical testing. Allele origin: unknown.